The following is an entry in ClinVar:

ClinVar aggregate classification (germline): Uncertain significance (1 of 4 stars; one submission).

Conditions:
Inborn genetic diseases. Identifiers: MedGen C0950123, MeSH D030342.

Allele frequency attached by ClinVar (database versions not stated): gnomAD exomes below 0.00001.
gnomAD v4.1: 1 of 1,613,756 alleles (0.000062%); highest among the groups gnomAD compares: Non-Finnish European, 0.000085%; no homozygotes.

Submission:

Ambry Genetics
Classification: Uncertain significance for Inborn genetic diseases. Last evaluated: 2021-09-06. Review status: criteria provided, single submitter. Criteria: Ambry Variant Classification Scheme 2023. Collection method: clinical testing. Allele origin: germline.
Comment: The p.T1500I variant (also known as c.4499C>T), located in coding exon 25 of the ATR gene, results from a C to T substitution at nucleotide position 4499. The threonine at codon 1500 is replaced by isoleucine, an amino acid with similar properties. This amino acid position is conserved. In addition, the in silico prediction for this alteration is inconclusive. Since supporting evidence is limited at this time, the clinical significance of this alteration remains unclear.

NM_001184.4(ATR):c.4499C>T (p.Thr1500Ile)

Gene: ATR (ATR checkpoint kinase; minus strand). Cytogenetic location: 3q23.
Variant type: single nucleotide variant.
Coding change: c.4499C>T on transcript NM_001184.4 (MANE Select); coding-DNA position 4499, C replaced by T.
Protein change: p.Thr1500Ile; replaces threonine 1500 with isoleucine.
Molecular consequence: missense variant.
Genome position (GRCh38, 1-based): chr3:142,515,399, G>A on the plus strand (C>T on the coding strand, the complement: ATR is on the minus strand). VCF-style: chr3-142515399-G-A. GRCh37 (hg19) VCF-style: chr3-142234241-G-A.
Other names: c.4307C>T, p.Thr1436Ile (NM_001354579.2); short protein forms T1436I, T1500I.
Identifiers: ClinVar variation 1741009 (VCV001741009.2), dbSNP rs2473231751, ClinGen allele CA354797656.